The following is an entry in ClinVar:

ClinVar aggregate classification (germline): Uncertain significance (1 of 4 stars; one submission).

Conditions:
Biotinidase deficiency. Also called: Biotin deficiency; BTD deficiency; Late-onset biotin-responsive multiple carboxylase deficiency. Identifiers: Orphanet 79241, MedGen C0220754, MONDO:0009665, OMIM 253260.

gnomAD v4.1: 15 of 1,614,040 alleles (0.00093%); highest among the groups gnomAD compares: Non-Finnish European, 0.0012%; no homozygotes.

Submission:

Labcorp Genetics (formerly Invitae), Labcorp
Classification: Uncertain significance for Biotinidase deficiency. Last evaluated: 2021-09-24. Review status: criteria provided, single submitter. Criteria: Invitae Variant Classification Sherloc (09022015). Collection method: clinical testing. Allele origin: germline.
Comment: This sequence change replaces glycine with serine at codon 293 of the BTD protein (p.Gly293Ser). The glycine residue is moderately conserved and there is a small physicochemical difference between glycine and serine. This variant is present in population databases (rs762757117, ExAC 0.001%). This variant has not been reported in the literature in individuals with BTD-related conditions. Algorithms developed to predict the effect of missense changes on protein structure and function (SIFT, PolyPhen-2, Align-GVGD) all suggest that this variant is likely to be tolerated, but these predictions have not been confirmed by published functional studies and their clinical significance is uncertain. Algorithms developed to predict the effect of sequence changes on RNA splicing suggest that this variant may create or strengthen a splice site, but this prediction has not been confirmed by published transcriptional studies. In summary, the available evidence is currently insufficient to determine the role of this variant in disease. Therefore, it has been classified as a Variant of Uncertain Significance.

NM_001370658.1(BTD):c.817G>A (p.Gly273Ser)

Gene: BTD (biotinidase; plus strand). Cytogenetic location: 3p25.1.
Variant type: single nucleotide variant.
Coding change: c.817G>A on transcript NM_001370658.1 (MANE Select); coding-DNA position 817, G replaced by A.
Protein change: p.Gly273Ser; replaces glycine 273 with serine.
Molecular consequence: missense variant. On other transcripts: intron variant (1).
Genome position (GRCh38, 1-based): chr3:15,644,733, G>A. VCF-style: chr3-15644733-G-A. GRCh37 (hg19) VCF-style: chr3-15686240-G-A.
Other names: c.877G>A, p.Gly293Ser (NM_000060.4); c.817G>A, p.Gly273Ser (NM_001281723.4, NM_001281724.3, NM_001281725.3 and 18 more transcripts); c.399+2676G>A (NM_001370753.1); short protein forms G273S, G293S.
Identifiers: ClinVar variation 1434517 (VCV001434517.6), dbSNP rs762757117, ClinGen allele CA2277390.